The following is an entry in ClinVar:

ClinVar aggregate classification (germline): Likely pathogenic. Review status: criteria provided, single submitter (1 of 4 stars). 2 submissions from 2 submitters: Likely pathogenic (1). 1 of the submissions does not count toward it. Last evaluated 2022-11-22.

Conditions:
Shprintzen-Goldberg syndrome (SGS). Also called: CRANIOSYNOSTOSIS WITH ARACHNODACTYLY AND ABDOMINAL HERNIAS; SHPRINTZEN-GOLDBERG CRANIOSYNOSTOSIS SYNDROME; Marfanoid disorder with craniosynostosis type 1; Marfanoid craniosynostosis syndrome; Shprintzen-Goldberg marfanoid syndrome. Identifiers: Orphanet 2462, MedGen C1321551, MONDO:0008426, OMIM 182212.

Submissions (2):

Labcorp Genetics (formerly Invitae), Labcorp
Classification: Likely pathogenic for Shprintzen-Goldberg syndrome. Last evaluated: 2022-11-22. Review status: criteria provided, single submitter. Criteria: Invitae Variant Classification Sherloc (09022015). Collection method: clinical testing. Allele origin: germline.
Comment: This variant disrupts the p.Gly117 amino acid residue in SKI. Other variant(s) that disrupt this residue have been determined to be pathogenic (Invitae). This suggests that this residue is clinically significant, and that variants that disrupt this residue are likely to be disease-causing. Advanced modeling of protein sequence and biophysical properties (such as structural, functional, and spatial information, amino acid conservation, physicochemical variation, residue mobility, and thermodynamic stability) performed at Invitae indicates that this missense variant is expected to disrupt SKI protein function. ClinVar contains an entry for this variant (Variation ID: 1695374). This variant has not been reported in the literature in individuals affected with SKI-related conditions. This variant is not present in population databases (gnomAD no frequency). This sequence change replaces glycine, which is neutral and non-polar, with aspartic acid, which is acidic and polar, at codon 117 of the SKI protein (p.Gly117Asp). In summary, the currently available evidence indicates that the variant is pathogenic, but additional data are needed to prove that conclusively. Therefore, this variant has been classified as Likely Pathogenic.

Insititute of Human Genetics, University Giessen, Germany
Classification: Likely pathogenic for Shprintzen-Goldberg syndrome. Last evaluated: 2022-07-07. Review status: no assertion criteria provided. Collection method: clinical testing. Allele origin: de novo. Inheritance: Sporadic. Affected: yes. Observed: 1 heterozygote. Not counted in ClinVar's aggregate classification.
Comment: The variant NM_003036.4: c.350G>A, p.(Gly117Asp) in the SKI gene leads to the replacement of an amino acid (missense). The variant is not listed in the database gnomAD. Five of five bioinformatic evaluations predict an impact on protein function ("damaging"). The exchange of the amino acid Gly117 has already been described as a "pathogenic" variant, but in this case the glycine is exchanged with an arginine (Doyle AJ, Det al., Mutations in the TGF-β repressor SKI cause Shprintzen-Goldberg syndrome with aortic aneurysm. Nat Genet. 2012 Nov;44(11):1249-54.). The amino acid aspartate belongs to the same group as arginine (hydrophilic side chain). It is expected that the exchange of glycine to aspartate also leads to the phenotype of a Shprintzen-Goldberg syndrome, as seen in our patient.

Literature cited by the submitters: PubMed 23023332 (cited by Insititute of Human Genetics, University Giessen, Germany).

NM_003036.4(SKI):c.350G>A (p.Gly117Asp)

Gene: SKI (SKI proto-oncogene; plus strand). Cytogenetic location: 1p36.33.
Variant type: single nucleotide variant.
Coding change: c.350G>A on transcript NM_003036.4 (MANE Select); coding-DNA position 350, G replaced by A.
Protein change: p.Gly117Asp; replaces glycine 117 with aspartic acid.
Molecular consequence: missense variant.
Genome position (GRCh38, 1-based): chr1:2,229,116, G>A. VCF-style: chr1-2229116-G-A. GRCh37 (hg19) VCF-style: chr1-2160555-G-A.
Other names: short protein forms G117D.
Identifiers: ClinVar variation 1695374 (VCV001695374.6), dbSNP rs2100790073, ClinGen allele CA337952730.